The following is an entry in ClinVar:

NM_000256.3(MYBPC3):c.86T>C (p.Phe29Ser)

Gene: MYBPC3 (myosin binding protein C3; minus strand). Cytogenetic location: 11p11.2.
Variant type: single nucleotide variant.
Coding change: c.86T>C on transcript NM_000256.3 (MANE Select); coding-DNA position 86, T replaced by C.
Protein change: p.Phe29Ser; replaces phenylalanine 29 with serine.
Molecular consequence: missense variant.
Genome position (GRCh38, 1-based): chr11:47,351,445, A>G on the plus strand (T>C on the coding strand, the complement: MYBPC3 is on the minus strand). VCF-style: chr11-47351445-A-G. GRCh37 (hg19) VCF-style: chr11-47372996-A-G.
Other names: short protein forms F29S.
Identifiers: ClinVar variation 921983 (VCV000921983.4), dbSNP rs2095900955, ClinGen allele CA380341956.
Genomic context (GRCh38, chr11:47,351,445, plus strand): 5'-ATGTCACTGCCTCCGCGCTGCCAGCGCACCTTCACTCCTGCCCGCTCTGTCTCGGCCTCG[A>G]ACACGGCAGGGCTGCCTGCGGCCACTTCCACTGACCGTGGCTTCTTGCTAAAAGCTGAGA-3'
Protein context (NP_000247.2, residues 19-39): VEVAAGSPAV[Phe29Ser]EAETERAGVK

ClinVar aggregate classification (germline): Uncertain significance (1 of 4 stars; one submission).

Conditions:
Cardiomyopathy (CMYO). Also called: Cardiomyopathies. Identifiers: Orphanet 167848, MedGen C0878544, MONDO:0004994, HP:0001638. Inheritance: Various modes of inheritance.

Submission:

Color Diagnostics, LLC DBA Color Health
Classification: Uncertain significance for Cardiomyopathy. Last evaluated: 2024-03-06. Review status: criteria provided, single submitter. Criteria: ACMG Guidelines, 2015. Collection method: clinical testing. Allele origin: germline.
Comment: This missense variant replaces phenylalanine with serine at codon 29 of the MYBPC3 protein. Computational prediction suggests that this variant may have deleterious impact on protein structure and function (internally defined REVEL score threshold >= 0.7, PMID: 27666373). Splice site prediction tools suggest that this variant may not impact RNA splicing. To our knowledge, functional studies have not been performed for this variant. This variant has not been reported in individuals affected with cardiovascular disorders in the literature. This variant has not been identified in the general population by the Genome Aggregation Database (gnomAD). The available evidence is insufficient to determine the role of this variant in disease conclusively. Therefore, this variant is classified as a Variant of Uncertain Significance.